The following is an entry in ClinVar:

ClinVar aggregate classification (germline): Uncertain significance (1 of 4 stars; one submission).

Conditions:
Familial hemiplegic migraine. Identifiers: MedGen C0338484, MONDO:0000700.

Submission:

Labcorp Genetics (formerly Invitae), Labcorp
Classification: Uncertain significance for Familial hemiplegic migraine. Last evaluated: 2023-08-17. Review status: criteria provided, single submitter. Criteria: Invitae Variant Classification Sherloc (09022015). Collection method: clinical testing. Allele origin: germline.
Comment: In summary, the available evidence is currently insufficient to determine the role of this variant in disease. Therefore, it has been classified as a Variant of Uncertain Significance. This sequence change replaces arginine, which is basic and polar, with glycine, which is neutral and non-polar, at codon 7 of the ATP1A2 protein (p.Arg7Gly). ClinVar contains an entry for this variant (Variation ID: 853875). Advanced modeling of protein sequence and biophysical properties (such as structural, functional, and spatial information, amino acid conservation, physicochemical variation, residue mobility, and thermodynamic stability) performed at Invitae indicates that this missense variant is not expected to disrupt ATP1A2 protein function. This variant is not present in population databases (gnomAD no frequency). This variant has not been reported in the literature in individuals affected with ATP1A2-related conditions.

NM_000702.4(ATP1A2):c.19C>G (p.Arg7Gly)

Gene: ATP1A2 (ATPase Na+/K+ transporting subunit alpha 2; plus strand). Cytogenetic location: 1q23.2.
Variant type: single nucleotide variant.
Coding change: c.19C>G on transcript NM_000702.4 (MANE Select); coding-DNA position 19, C replaced by G.
Protein change: p.Arg7Gly; replaces arginine 7 with glycine.
Molecular consequence: missense variant.
Genome position (GRCh38, 1-based): chr1:160,120,912, C>G. VCF-style: chr1-160120912-C-G. GRCh37 (hg19) VCF-style: chr1-160090702-C-G.
Other names: short protein forms R7G.
Identifiers: ClinVar variation 853875 (VCV000853875.9), dbSNP rs761260548, ClinGen allele CA343226909.